The following is an entry in ClinVar:

NM_015311.3(OBSL1):c.3613G>T (p.Val1205Phe)

Gene: OBSL1 (obscurin like cytoskeletal adaptor 1; minus strand). Cytogenetic location: 2q35.
Variant type: single nucleotide variant.
Coding change: c.3613G>T on transcript NM_015311.3 (MANE Select); coding-DNA position 3613, G replaced by T.
Protein change: p.Val1205Phe; replaces valine 1205 with phenylalanine.
Molecular consequence: missense variant.
Genome position (GRCh38, 1-based): chr2:219,558,000, C>A on the plus strand (G>T on the coding strand, the complement: OBSL1 is on the minus strand). VCF-style: chr2-219558000-C-A. GRCh37 (hg19) VCF-style: chr2-220422722-C-A.
Other names: c.3613G>T, p.Val1205Phe (NM_001173431.2); short protein forms V1205F.
Identifiers: ClinVar variation 1925751 (VCV001925751.5), dbSNP rs1309554899, ClinGen allele CA350735723.

ClinVar aggregate classification (germline): Uncertain significance (1 of 4 stars; one submission).

Allele frequency attached by ClinVar (database versions not stated): gnomAD exomes below 0.00001.
gnomAD v4.1: 1 of 1,612,250 alleles (0.000062%); highest among the groups gnomAD compares: Non-Finnish European, 0.000085%; no homozygotes.

Submission:

Labcorp Genetics (formerly Invitae), Labcorp
Classification: Uncertain significance. Last evaluated: 2025-07-07. Review status: criteria provided, single submitter. Criteria: Invitae Variant Classification Sherloc (09022015). Collection method: clinical testing. Allele origin: germline.
Comment: This sequence change replaces valine, which is neutral and non-polar, with phenylalanine, which is neutral and non-polar, at codon 1205 of the OBSL1 protein (p.Val1205Phe). This variant is not present in population databases (gnomAD no frequency). This variant has not been reported in the literature in individuals affected with OBSL1-related conditions. ClinVar contains an entry for this variant (Variation ID: 1925751). An algorithm developed to predict the effect of missense changes on protein structure and function outputs the following: PolyPhen-2: "Benign". The phenylalanine amino acid residue is found in multiple mammalian species, which suggests that this missense change does not adversely affect protein function. In summary, the available evidence is currently insufficient to determine the role of this variant in disease. Therefore, it has been classified as a Variant of Uncertain Significance.